The following is an entry in ClinVar:

NM_001165963.4(SCN1A):c.5243C>G (p.Pro1748Arg)

Genes: SCN1A (sodium voltage-gated channel alpha subunit 1; minus strand), LOC102724058 (uncharacterized LOC102724058; plus strand). Cytogenetic location: 2q24.3.
Variant type: single nucleotide variant.
Coding change: c.5243C>G on transcript NM_001165963.4 (MANE Select); coding-DNA position 5243, C replaced by G.
Protein change: p.Pro1748Arg; replaces proline 1748 with arginine.
Molecular consequence: missense variant. On other transcripts: non-coding transcript variant (1).
Genome position (GRCh38, 1-based): chr2:165,992,032, G>C on the plus strand (C>G on the coding strand, the complement: SCN1A is on the minus strand). VCF-style: chr2-165992032-G-C. GRCh37 (hg19) VCF-style: chr2-166848542-G-C.
Other names: c.5159C>G, p.Pro1720Arg (NM_001165964.3, NM_001353957.2, NM_001353958.2); c.5243C>G, p.Pro1748Arg (NM_001202435.3, NM_001353948.2); c.5210C>G, p.Pro1737Arg (NM_001353949.2, NM_001353950.2, NM_001353951.2 and 2 more transcripts); c.5207C>G, p.Pro1736Arg (NM_001353954.2, NM_001353955.2); c.5156C>G, p.Pro1719Arg (NM_001353960.2); c.2801C>G, p.Pro934Arg (NM_001353961.2); short protein forms P1736R, P1748R, P1720R, P1737R, P934R, P1719R.
Identifiers: ClinVar variation 863847 (VCV000863847.10), dbSNP rs1689265965, ClinGen allele CA349068404.

ClinVar aggregate classification (germline): Uncertain significance (1 of 4 stars; one submission).

Conditions:
Early-infantile DEE. Also called: Early infantile epileptic encephalopathy; Early infantile epileptic encephalopathy with suppression bursts; Ohtahara syndrome. Identifiers: Orphanet 1934, MedGen C0393706, MONDO:0800491.

Submission:

Labcorp Genetics (formerly Invitae), Labcorp
Classification: Uncertain significance for Early-infantile DEE. Last evaluated: 2019-03-04. Review status: criteria provided, single submitter. Criteria: Invitae Variant Classification Sherloc (09022015). Collection method: clinical testing. Allele origin: germline.
Comment: In summary, the available evidence is currently insufficient to determine the role of this variant in disease. Therefore, it has been classified as a Variant of Uncertain Significance. Algorithms developed to predict the effect of missense changes on protein structure and function (SIFT, PolyPhen-2, Align-GVGD) all suggest that this variant is likely to be disruptive, but these predictions have not been confirmed by published functional studies and their clinical significance is uncertain. This variant has not been reported in the literature in individuals with SCN1A-related conditions. This variant is not present in population databases (ExAC no frequency). This sequence change replaces proline with arginine at codon 1748 of the SCN1A protein (p.Pro1748Arg). The proline residue is highly conserved and there is a moderate physicochemical difference between proline and arginine.